The following is an entry in ClinVar:

NM_024301.5(FKRP):c.1181G>A (p.Trp394Ter)

Gene: FKRP (fukutin related protein; plus strand). Cytogenetic location: 19q13.32.
Variant type: single nucleotide variant.
Coding change: c.1181G>A on transcript NM_024301.5 (MANE Select); coding-DNA position 1181, G replaced by A.
Protein change: p.Trp394Ter; replaces tryptophan 394 with a stop codon.
Molecular consequence: nonsense.
Genome position (GRCh38, 1-based): chr19:46,756,631, G>A. VCF-style: chr19-46756631-G-A. GRCh37 (hg19) VCF-style: chr19-47259888-G-A.
Other names: c.1181G>A, p.Trp394Ter (NM_001039885.3); short protein forms W394*.
Identifiers: ClinVar variation 3641973 (VCV003641973.2).

ClinVar aggregate classification (germline): Pathogenic (1 of 4 stars; one submission).

Conditions:
Walker-Warburg congenital muscular dystrophy. Also called: Muscular dystrophy-dystroglycanopathy, type A; Walker-Warburg syndrome. Identifiers: Orphanet 899, MedGen C0265221, MONDO:0000171.

Submission:

Labcorp Genetics (formerly Invitae), Labcorp
Classification: Pathogenic for Walker-Warburg congenital muscular dystrophy. Last evaluated: 2024-02-19. Review status: criteria provided, single submitter. Criteria: Invitae Variant Classification Sherloc (09022015). Collection method: clinical testing. Allele origin: germline.
Comment: This sequence change creates a premature translational stop signal (p.Trp394*) in the FKRP gene. While this is not anticipated to result in nonsense mediated decay, it is expected to disrupt the last 102 amino acid(s) of the FKRP protein. This variant is not present in population databases (gnomAD no frequency). This variant has not been reported in the literature in individuals affected with FKRP-related conditions. This variant disrupts a region of the FKRP protein in which other variant(s) (p.Ile478Thr) have been determined to be pathogenic (PMID: 16476814, 18639457, 19299310). This suggests that this is a clinically significant region of the protein, and that variants that disrupt it are likely to be disease-causing. For these reasons, this variant has been classified as Pathogenic.

Literature cited by the submitters: PubMed 16476814; PubMed 18639457; PubMed 19299310.